The following is an entry in ClinVar:

NM_001253697.2(ERBIN):c.2870T>C (p.Ile957Thr)

Gene: ERBIN (erbb2 interacting protein; plus strand). Cytogenetic location: 5q12.3.
Variant type: single nucleotide variant.
Coding change: c.2870T>C on transcript NM_001253697.2 (MANE Select); coding-DNA position 2870, T replaced by C.
Protein change: p.Ile957Thr; replaces isoleucine 957 with threonine.
Molecular consequence: missense variant.
Genome position (GRCh38, 1-based): chr5:66,054,188, T>C. VCF-style: chr5-66054188-T-C. GRCh37 (hg19) VCF-style: chr5-65350016-T-C.
Other names: c.2870T>C, p.Ile957Thr (NM_001006600.3, NM_001253698.2, NM_001253699.2 and 1 more transcripts); c.2858T>C, p.Ile953Thr (NM_001253701.2); short protein forms I953T, I957T.
Identifiers: ClinVar variation 2964818 (VCV002964818.3), dbSNP rs752258226, ClinGen allele CA359868118.

ClinVar aggregate classification (germline): Uncertain significance (1 of 4 stars; one submission).

Allele frequency attached by ClinVar (database versions not stated): TOPMed below 0.00001.
gnomAD v4.1: 7 of 1,613,952 alleles (0.00043%); highest among the groups gnomAD compares: South Asian, 0.0055%; no homozygotes.

Submission:

Labcorp Genetics (formerly Invitae), Labcorp
Classification: Uncertain significance. Last evaluated: 2023-11-02. Review status: criteria provided, single submitter. Criteria: Invitae Variant Classification Sherloc (09022015). Collection method: clinical testing. Allele origin: germline.
Comment: This sequence change replaces isoleucine, which is neutral and non-polar, with threonine, which is neutral and polar, at codon 957 of the ERBIN protein (p.Ile957Thr). This variant is present in population databases (no rsID available, gnomAD 0.003%). This variant has not been reported in the literature in individuals affected with ERBIN-related conditions. Algorithms developed to predict the effect of missense changes on protein structure and function output the following: SIFT: "Not Available"; PolyPhen-2: "Benign"; Align-GVGD: "Not Available". The threonine amino acid residue is found in multiple mammalian species, which suggests that this missense change does not adversely affect protein function. In summary, the available evidence is currently insufficient to determine the role of this variant in disease. Therefore, it has been classified as a Variant of Uncertain Significance.